The following is an entry in ClinVar:

NM_000059.4(BRCA2):c.2372C>A (p.Ser791Ter)

Gene: BRCA2 (BRCA2 DNA repair associated; plus strand). Cytogenetic location: 13q13.1.
Variant type: single nucleotide variant.
Coding change: c.2372C>A on transcript NM_000059.4 (MANE Select); coding-DNA position 2372, C replaced by A.
Protein change: p.Ser791Ter; replaces serine 791 with a stop codon.
Molecular consequence: nonsense.
Genome position (GRCh38, 1-based): chr13:32,336,727, C>A. VCF-style: chr13-32336727-C-A. GRCh37 (hg19) VCF-style: chr13-32910864-C-A.
Other names: short protein forms S791*.
Identifiers: ClinVar variation 51273 (VCV000051273.3), dbSNP rs397507624, ClinGen allele CA015065.

ClinVar aggregate classification (germline): Pathogenic. Review status: reviewed by expert panel (3 of 4 stars). 2 submissions from 2 submitters: Pathogenic (1). 1 of the submissions does not count toward it. Last evaluated 2017-12-15.

Conditions:
Familial cancer of breast. Also called: BREAST CANCER, FAMILIAL; Hereditary breast cancer; hereditary breast carcinoma. Identifiers: Orphanet 227535, MedGen C0346153, MONDO:0016419, OMIM 114480. Disease mechanism: loss of function.
Breast-ovarian cancer, familial, susceptibility to, 2 (BROVCA2). Also called: BRCA2 Hereditary Breast and Ovarian Cancer. Identifiers: Orphanet 145, MedGen C2675520, MONDO:0012933, OMIM 612555. Disease mechanism: loss of function.

Submissions (2):

Evidence-based Network for the Interpretation of Germline Mutant Alleles (ENIGMA)
Classification: Pathogenic for Breast-ovarian cancer, familial, susceptibility to, 2. Last evaluated: 2017-12-15. Review status: reviewed by expert panel. Criteria: ENIGMA BRCA1/2 Classification Criteria (2017-06-29). Collection method: curation. Allele origin: germline. Study: ENIGMA.
Comment: Variant allele predicted to encode a truncated non-functional protein.

ClinVar Staff, National Center for Biotechnology Information (NCBI)
No classification provided. Condition: Familial cancer of breast. Review status: no classification provided. Collection method: literature only. Allele origin: germline. Affected: yes. Not counted in ClinVar's aggregate classification.

Literature cited by the submitters: PubMed 20104584 (cited by ClinVar Staff, National Center for Biotechnology Information (NCBI)).